The following is an entry in ClinVar:

ClinVar aggregate classification (germline): Uncertain significance. Review status: criteria provided, multiple submitters, no conflicts (2 of 4 stars). 2 submissions from 2 submitters: Uncertain significance (2). Last evaluated 2025-03-26.

Conditions:
Inborn genetic diseases. Identifiers: MedGen C0950123, MeSH D030342.

Allele frequency attached by ClinVar (database versions not stated): gnomAD exomes below 0.00001.

Submissions (2):

Ambry Genetics
Classification: Uncertain significance for Inborn genetic diseases. Last evaluated: 2025-03-26. Review status: criteria provided, single submitter. Criteria: Ambry Variant Classification Scheme 2023. Collection method: clinical testing. Allele origin: germline.
Comment: The p.V617G variant (also known as c.1850T>G), located in coding exon 1 of the SAMD9L gene, results from a T to G substitution at nucleotide position 1850. The valine at codon 617 is replaced by glycine, an amino acid with dissimilar properties. This amino acid position is conserved. In addition, this alteration is predicted to be tolerated by in silico analysis. Based on the available evidence, the clinical significance of this variant remains unclear.

GeneDx
Classification: Uncertain significance. Last evaluated: 2025-01-01. Review status: criteria provided, single submitter. Criteria: GeneDx Variant Classification Process June 2021. Collection method: clinical testing. Allele origin: germline. Affected: yes.
Comment: Not observed at significant frequency in large population cohorts (gnomAD); In silico analysis supports that this missense variant has a deleterious effect on protein structure/function; Has not been previously published as pathogenic or benign to our knowledge

NM_152703.5(SAMD9L):c.1850T>G (p.Val617Gly)

Gene: SAMD9L (sterile alpha motif domain containing 9 like; minus strand). Cytogenetic location: 7q21.2.
Variant type: single nucleotide variant.
Coding change: c.1850T>G on transcript NM_152703.5 (MANE Select); coding-DNA position 1850, T replaced by G.
Protein change: p.Val617Gly; replaces valine 617 with glycine.
Molecular consequence: missense variant.
Genome position (GRCh38, 1-based): chr7:93,134,122, A>C on the plus strand (T>G on the coding strand, the complement: SAMD9L is on the minus strand). VCF-style: chr7-93134122-A-C. GRCh37 (hg19) VCF-style: chr7-92763435-A-C.
Other names: c.1850T>G, p.Val617Gly (NM_001303496.3, NM_001303497.3, NM_001303498.3 and 5 more transcripts); c.1850T>G (NM_152703.2); short protein forms V617G.
Identifiers: ClinVar variation 1211952 (VCV001211952.6), dbSNP rs2116493013, ClinGen allele CA368194324.